The following is an entry in ClinVar:

NM_004393.6(DAG1):c.41C>T (p.Ser14Leu)

Gene: DAG1 (dystroglycan 1; plus strand). Cytogenetic location: 3p21.31.
Variant type: single nucleotide variant.
Coding change: c.41C>T on transcript NM_004393.6 (MANE Select); coding-DNA position 41, C replaced by T.
Protein change: p.Ser14Leu; replaces serine 14 with leucine.
Molecular consequence: missense variant.
Genome position (GRCh38, 1-based): chr3:49,510,575, C>T. VCF-style: chr3-49510575-C-T. GRCh37 (hg19) VCF-style: chr3-49548008-C-T.
Other names: c.41C>T, p.Ser14Leu (NM_001165928.4, NM_001177634.3, NM_001177635.3 and 9 more transcripts); short protein forms S14L.
Identifiers: ClinVar variation 3362376 (VCV003362376.3).

ClinVar aggregate classification (germline): Uncertain significance (1 of 4 stars; one submission).

Conditions:
Autosomal recessive limb-girdle muscular dystrophy type 2P. Also called: Limb-Girdle Muscular Dystrophy Type 9C; MUSCULAR DYSTROPHY, LIMB-GIRDLE, TYPE 2P; MUSCULAR DYSTROPHY-DYSTROGLYCANOPATHY, LIMB-GIRDLE, DAG1-RELATED. Identifiers: Orphanet 280333, MedGen C4511963, MONDO:0013440, OMIM 613818.

Submission:

Neuberg Centre For Genomic Medicine, NCGM
Classification: Uncertain significance for Autosomal recessive limb-girdle muscular dystrophy type 2P. Last evaluated: 2023-05-20. Review status: criteria provided, single submitter. Criteria: ACMG Guidelines, 2015. Collection method: clinical testing. Allele origin: germline. Inheritance: Autosomal recessive inheritance. Affected: yes.
Comment: The observed missense variant c.41C>T(p.Ser14Leu) in the DAG1 gene has not been reported previously as a pathogenic variant nor as a benign variant, to our knowledge. This variant is reported with the allele frequency 0.0004% in the gnomAD Exomes. The amino acid Serine at position 14 is changed to a Leucine changing protein sequence and it might alter its composition and physico-chemical properties.Multiple lines of computational evidence (Polyphen - Benign, SIFT - Damaging and MutationTaster - Polymorphism) predict no damaging effect on protein structure and function for this variant. The residue is conserved by GERP++ and PhyloP across 100 vertebrates. For these reasons, this variant has been classified as Uncertain Significance.